The following is an entry in ClinVar:

NM_001776.6(ENTPD1):c.926T>C (p.Leu309Pro)

Genes: ENTPD1 (ectonucleoside triphosphate diphosphohydrolase 1; plus strand), ENTPD1-AS1 (ENTPD1 antisense RNA 1; minus strand). Cytogenetic location: 10q24.1.
Variant type: single nucleotide variant.
Coding change: c.926T>C on transcript NM_001776.6 (MANE Select); coding-DNA position 926, T replaced by C.
Protein change: p.Leu309Pro; replaces leucine 309 with proline.
Molecular consequence: missense variant. On other transcripts: intron variant (1).
Genome position (GRCh38, 1-based): chr10:95,847,558, T>C. VCF-style: chr10-95847558-T-C. GRCh37 (hg19) VCF-style: chr10-97607315-T-C.
Other names: c.947T>C, p.Leu316Pro (NM_001098175.2); c.962T>C, p.Leu321Pro (NM_001164178.1, NM_001320916.1); c.602T>C, p.Leu201Pro (NM_001164181.1, NM_001312654.1); c.512T>C, p.Leu171Pro (NM_001164182.2, NM_001164183.2); c.814-11T>C (NM_001164179.2); short protein forms L201P, L321P, L171P, L309P, L316P.
Identifiers: ClinVar variation 2044133 (VCV002044133.4), dbSNP rs2494456131, ClinGen allele CA377823741.

ClinVar aggregate classification (germline): Uncertain significance (1 of 4 stars; one submission).

Conditions:
Hereditary spastic paraplegia 64. Also called: Spastic paraplegia 64, autosomal recessive; ENTPD1-Related Neurodevelopmental Disorder. Identifiers: Orphanet 401810, MedGen C3810289, MONDO:0014303, OMIM 615683.

Submission:

Labcorp Genetics (formerly Invitae), Labcorp
Classification: Uncertain significance for Hereditary spastic paraplegia 64. Last evaluated: 2022-06-04. Review status: criteria provided, single submitter. Criteria: Invitae Variant Classification Sherloc (09022015). Collection method: clinical testing. Allele origin: germline.
Comment: This sequence change replaces leucine, which is neutral and non-polar, with proline, which is neutral and non-polar, at codon 309 of the ENTPD1 protein (p.Leu309Pro). This variant is not present in population databases (gnomAD no frequency). This variant has not been reported in the literature in individuals affected with ENTPD1-related conditions. Algorithms developed to predict the effect of missense changes on protein structure and function (SIFT, PolyPhen-2, Align-GVGD) all suggest that this variant is likely to be tolerated. Algorithms developed to predict the effect of sequence changes on RNA splicing suggest that this variant may disrupt the consensus splice site. In summary, the available evidence is currently insufficient to determine the role of this variant in disease. Therefore, it has been classified as a Variant of Uncertain Significance.